The following is an entry in ClinVar:

ClinVar aggregate classification (germline): Pathogenic (1 of 4 stars; one submission).

Conditions:
Hereditary cancer-predisposing syndrome. Also called: Neoplastic Syndromes, Hereditary; Tumor predisposition; Hereditary Cancer Syndrome; Hereditary neoplastic syndrome. Identifiers: Orphanet 140162, MedGen C0027672, MeSH D009386, MONDO:0015356.

Submission:

Ambry Genetics
Classification: Pathogenic for Hereditary cancer-predisposing syndrome. Last evaluated: 2026-04-29. Review status: criteria provided, single submitter. Criteria: Ambry Variant Classification Scheme 2023. Collection method: clinical testing. Allele origin: germline.
Comment: The p.S603* pathogenic mutation (also known as c.1808C>G), located in coding exon 13 of the MSH3 gene, results from a C to G substitution at nucleotide position 1808. This changes the amino acid from a serine to a stop codon within coding exon 13. This variant is considered to be rare based on population cohorts in the Genome Aggregation Database (gnomAD). This alteration is expected to result in loss of function by premature protein truncation or nonsense-mediated mRNA decay. As such, this alteration is interpreted as a disease-causing mutation.

NM_002439.5(MSH3):c.1808C>G (p.Ser603Ter)

Gene: MSH3 (mutS homolog 3; plus strand). Cytogenetic location: 5q14.1.
Variant type: single nucleotide variant.
Coding change: c.1808C>G on transcript NM_002439.5 (MANE Select); coding-DNA position 1808, C replaced by G.
Protein change: p.Ser603Ter; replaces serine 603 with a stop codon.
Molecular consequence: nonsense.
Genome position (GRCh38, 1-based): chr5:80,761,590, C>G. VCF-style: chr5-80761590-C-G. GRCh37 (hg19) VCF-style: chr5-80057409-C-G.
Other names: short protein forms S603*.
Identifiers: ClinVar variation 4860342 (VCV004860342.1).